The following is an entry in ClinVar:

NM_004456.5(EZH2):c.787A>G (p.Asn263Asp)

Gene: EZH2 (enhancer of zeste 2 polycomb repressive complex 2 subunit; minus strand). Cytogenetic location: 7q36.1.
Variant type: single nucleotide variant.
Coding change: c.787A>G on transcript NM_004456.5 (MANE Select); coding-DNA position 787, A replaced by G.
Protein change: p.Asn263Asp; replaces asparagine 263 with aspartic acid.
Molecular consequence: missense variant.
Genome position (GRCh38, 1-based): chr7:148,826,574, T>C on the plus strand (A>G on the coding strand, the complement: EZH2 is on the minus strand). VCF-style: chr7-148826574-T-C. GRCh37 (hg19) VCF-style: chr7-148523666-T-C.
Other names: c.787A>G, p.Asn263Asp (NM_001203247.2); c.760A>G, p.Asn254Asp (NM_001203248.2, NM_001203249.2); c.670A>G, p.Asn224Asp (NM_152998.3); short protein forms N224D, N263D, N254D.
Identifiers: ClinVar variation 2808905 (VCV002808905.4), dbSNP rs780959381, ClinGen allele CA4548032.
Genomic context (GRCh38, chr7:148,826,574, plus strand): 5'-TATGAAAGGAGTGTAAGCTTTGCTCTCTCTGAACAGATTTAGCATTTGGTCCATCTATGT[T>C]GGGGGTACATTCAGGAGGAAGTGCGCCTGGGAGCTGCTGTTCGGTGAGTTCTTTATATCT-3'
Protein context (NP_004447.2, residues 253-273): PGALPPECTP[Asn263Asp]IDGPNAKSVQ

ClinVar aggregate classification (germline): Uncertain significance. Review status: criteria provided, multiple submitters, no conflicts (2 of 4 stars). 2 submissions from 2 submitters: Uncertain significance (2). Last evaluated 2024-05-22.

Conditions:
Weaver syndrome (WVS). Also called: Weaver Smith syndrome; Overgrowth syndrome with accelerated skeletal maturation, unusual facies, and camptodactyly. Identifiers: Orphanet 3447, MedGen C0265210, MONDO:0010193, OMIM 277590.

Allele frequency attached by ClinVar (database versions not stated): gnomAD exomes below 0.00001; ExAC 0.00002.
gnomAD v4.1: 4 of 1,582,414 alleles (0.00025%); highest among the groups gnomAD compares: East Asian, 0.0023%; no homozygotes.

Submissions (2):

Labcorp Genetics (formerly Invitae), Labcorp
Classification: Uncertain significance for Weaver syndrome. Last evaluated: 2024-05-22. Review status: criteria provided, single submitter. Criteria: Invitae Variant Classification Sherloc (09022015). Collection method: clinical testing. Allele origin: germline.
Comment: This sequence change replaces asparagine, which is neutral and polar, with aspartic acid, which is acidic and polar, at codon 263 of the EZH2 protein (p.Asn263Asp). This variant is present in population databases (rs780959381, gnomAD 0.01%). This variant has not been reported in the literature in individuals affected with EZH2-related conditions. Advanced modeling of protein sequence and biophysical properties (such as structural, functional, and spatial information, amino acid conservation, physicochemical variation, residue mobility, and thermodynamic stability) has been performed at Invitae for this missense variant, however the output from this modeling did not meet the statistical confidence thresholds required to predict the impact of this variant on EZH2 protein function. In summary, the available evidence is currently insufficient to determine the role of this variant in disease. Therefore, it has been classified as a Variant of Uncertain Significance.

Fulgent Genetics
Classification: Uncertain significance for Weaver syndrome. Last evaluated: 2024-03-21. Review status: criteria provided, single submitter. Criteria: ACMG Guidelines, 2015. Collection method: clinical testing. Allele origin: germline.